The following is an entry in ClinVar:

NM_024675.4(PALB2):c.448C>G (p.Gln150Glu)

Gene: PALB2 (partner and localizer of BRCA2; minus strand). Cytogenetic location: 16p12.2.
Variant type: single nucleotide variant.
Coding change: c.448C>G on transcript NM_024675.4 (MANE Select); coding-DNA position 448, C replaced by G.
Protein change: p.Gln150Glu; replaces glutamine 150 with glutamic acid.
Molecular consequence: missense variant.
Genome position (GRCh38, 1-based): chr16:23,636,098, G>C on the plus strand (C>G on the coding strand, the complement: PALB2 is on the minus strand). VCF-style: chr16-23636098-G-C. GRCh37 (hg19) VCF-style: chr16-23647419-G-C.
Other names: short protein forms Q150E.
Identifiers: ClinVar variation 665078 (VCV000665078.14), dbSNP rs1597099241, ClinGen allele CA395137232.

ClinVar aggregate classification (germline): Uncertain significance. Review status: criteria provided, multiple submitters, no conflicts (2 of 4 stars). 4 submissions from 4 submitters: Uncertain significance (4). Last evaluated 2025-08-20.

Conditions:
Hereditary cancer-predisposing syndrome. Also called: Tumor predisposition; Hereditary neoplastic syndrome; Neoplastic Syndromes, Hereditary; Hereditary Cancer Syndrome. Identifiers: Orphanet 140162, MedGen C0027672, MeSH D009386, MONDO:0015356.
Familial cancer of breast. Also called: BREAST CANCER, FAMILIAL; hereditary breast carcinoma; Hereditary breast cancer. Identifiers: Orphanet 227535, MedGen C0346153, MONDO:0016419, OMIM 114480. Disease mechanism: loss of function.

Allele frequency attached by ClinVar (database versions not stated): gnomAD exomes 0.00001.
gnomAD v4.1: 6 of 1,613,796 alleles (0.00037%); highest among the groups gnomAD compares: Non-Finnish European, 0.00051%; no homozygotes.

Submissions (4):

Ambry Genetics
Classification: Uncertain significance for Hereditary cancer-predisposing syndrome. Last evaluated: 2025-08-20. Review status: criteria provided, single submitter. Criteria: Ambry Variant Classification Scheme 2023. Collection method: clinical testing. Allele origin: germline.
Comment: The p.Q150E variant (also known as c.448C>G), located in coding exon 4 of the PALB2 gene, results from a C to G substitution at nucleotide position 448. The glutamine at codon 150 is replaced by glutamic acid, an amino acid with highly similar properties. This amino acid position is conserved. In addition, this alteration is predicted to be tolerated by in silico analysis. Since supporting evidence is limited at this time, the clinical significance of this alteration remains unclear.

Color Diagnostics, LLC DBA Color Health
Classification: Uncertain significance for Hereditary cancer-predisposing syndrome. Last evaluated: 2024-06-13. Review status: criteria provided, single submitter. Criteria: ACMG Guidelines, 2015. Collection method: clinical testing. Allele origin: germline.
Comment: This missense variant replaces glutamine with glutamic acid at codon 150 of the PALB2 protein. Computational prediction suggests that this variant may not impact protein structure and function. To our knowledge, functional studies have not been reported for this variant. This variant has not been reported in individuals affected with PALB2-related disorders in the literature. This variant has not been identified in the general population by the Genome Aggregation Database (gnomAD). The available evidence is insufficient to determine the role of this variant in disease conclusively. Therefore, this variant is classified as a Variant of Uncertain Significance.

Labcorp Genetics (formerly Invitae), Labcorp
Classification: Uncertain significance for Familial cancer of breast. Last evaluated: 2023-11-25. Review status: criteria provided, single submitter. Criteria: Invitae Variant Classification Sherloc (09022015). Collection method: clinical testing. Allele origin: germline.
Comment: This sequence change replaces glutamine, which is neutral and polar, with glutamic acid, which is acidic and polar, at codon 150 of the PALB2 protein (p.Gln150Glu). This variant is not present in population databases (gnomAD no frequency). This variant has not been reported in the literature in individuals affected with PALB2-related conditions. ClinVar contains an entry for this variant (Variation ID: 665078). Algorithms developed to predict the effect of missense changes on protein structure and function output the following: SIFT: "Not Available"; PolyPhen-2: "Benign"; Align-GVGD: "Not Available". The glutamic acid amino acid residue is found in multiple mammalian species, which suggests that this missense change does not adversely affect protein function. In summary, the available evidence is currently insufficient to determine the role of this variant in disease. Therefore, it has been classified as a Variant of Uncertain Significance.

GeneDx
Classification: Uncertain significance. Last evaluated: 2021-05-17. Review status: criteria provided, single submitter. Criteria: GeneDx Variant Classification Process June 2021. Collection method: clinical testing. Allele origin: germline. Affected: yes.
Comment: Not observed in large population cohorts (Lek 2016); In silico analysis supports that this missense variant does not alter protein structure/function; Has not been previously published as pathogenic or benign to our knowledge